The following is an entry in ClinVar:

NM_001164277.2(SLC37A4):c.1275C>T (p.Ser425=)

Gene: SLC37A4 (solute carrier family 37 member 4; minus strand). Cytogenetic location: 11q23.3.
Variant type: single nucleotide variant.
Coding change: c.1275C>T on transcript NM_001164277.2 (MANE Select); coding-DNA position 1275, C replaced by T.
Protein change: p.Ser425=; no amino-acid change (serine 425 retained).
Molecular consequence: synonymous variant.
Genome position (GRCh38, 1-based): chr11:119,024,925, G>A on the plus strand (C>T on the coding strand, the complement: SLC37A4 is on the minus strand). VCF-style: chr11-119024925-G-A. GRCh37 (hg19) VCF-style: chr11-118895635-G-A.
Other names: p.S425S:TCC>TCT; p.Ser425=; c.1341C>T, p.Ser447= (NM_001164278.2); c.1056C>T, p.Ser352= (NM_001164279.2); c.1275C>T, p.Ser425= (NM_001164280.2, NM_001467.6).
Identifiers: ClinVar variation 139193 (VCV000139193.26), dbSNP rs35010541, ClinGen allele CA293584.

ClinVar aggregate classification (germline): Benign/Likely benign. Review status: criteria provided, multiple submitters, no conflicts (2 of 4 stars). 11 submissions from 10 submitters: Benign (8); Likely benign (2). 1 of the submissions does not count toward it. Last evaluated 2026-02-04.

Conditions:
Glucose-6-phosphate transport defect (GSD1B). Also called: Glycogen Storage Disease Type Ib; GSD Ib. Identifiers: Orphanet 364, Orphanet 79259, MedGen C0268146, MONDO:0009288, OMIM 232220.
Phosphate transport defect (GSD1C). Also called: GLYCOGEN STORAGE DISEASE Ic; GSD Ic. Identifiers: Orphanet 364, Orphanet 79259, MedGen C0342749, OMIM 232240.

Allele frequency attached by ClinVar (database versions not stated): gnomAD exomes 0.00243 and 0.00568; ExAC 0.00736; gnomAD 0.01045 and 0.01053; ESP Exome Variant Server 0.01097; TOPMed 0.01150; 1000 Genomes Project 0.01697; 1000 Genomes Project 30x 0.01858.

Submissions (11):

Labcorp Genetics (formerly Invitae), Labcorp
Classification: Benign for Glucose-6-phosphate transport defect. Last evaluated: 2026-02-04. Review status: criteria provided, single submitter. Criteria: Invitae Variant Classification Sherloc (09022015). Collection method: clinical testing. Allele origin: germline.

Women's Health and Genetics/Laboratory Corporation of America, LabCorp
Classification: Benign. Last evaluated: 2026-01-29. Review status: criteria provided, single submitter. Criteria: LabCorp Variant Classification Summary - May 2015. Collection method: clinical testing. Allele origin: germline.
Comment: Variant summary: SLC37A4 c.1275C>T alters a conserved nucleotide resulting in a synonymous change. Consensus agreement among computation tools predict no significant impact on normal splicing. However, these predictions have yet to be confirmed by functional studies. The variant allele was found at a frequency of 0.0057 in 248560 control chromosomes, predominantly at a frequency of 0.036 within the African or African-American subpopulation in the gnomAD database, including 13 homozygotes. The observed variant frequency within African or African-American control individuals in the gnomAD database exceeds the estimated maximal expected allele frequency for disease-causing variants in SLC37A4. To our knowledge, no occurrence of c.1275C>T in individuals affected with SLC37A4-related conditions and no experimental evidence demonstrating its impact on protein function have been reported. ClinVar contains an entry for this variant (Variation ID: 139193). Based on the evidence outlined above, the variant was classified as benign.

ARUP Laboratories, Molecular Genetics and Genomics, ARUP Laboratories
Classification: Benign. Last evaluated: 2022-03-07. Review status: criteria provided, single submitter. Criteria: ARUP Molecular Germline Variant Investigation Process 2021. Collection method: clinical testing. Allele origin: germline.

Genome-Nilou Lab
Classification: Benign for Glucose-6-phosphate transport defect. Last evaluated: 2021-07-01. Review status: criteria provided, single submitter. Criteria: ACMG Guidelines, 2015. Collection method: clinical testing. Allele origin: germline. Affected: no.

Genome-Nilou Lab
Classification: Benign for Phosphate transport defect. Last evaluated: 2021-07-01. Review status: criteria provided, single submitter. Criteria: ACMG Guidelines, 2015. Collection method: clinical testing. Allele origin: germline. Affected: no.

Mayo Clinic Laboratories, Mayo Clinic
Classification: Benign. Last evaluated: 2019-04-18. Review status: criteria provided, single submitter. Criteria: ACMG Guidelines, 2015. Collection method: clinical testing. Allele origin: germline. Observed: 31 variant alleles.

Center for Pediatric Genomic Medicine, Children's Mercy Hospital and Clinics
Classification: Likely benign. Last evaluated: 2015-05-21. Review status: criteria provided, single submitter. Criteria: ACMG Guidelines, 2015. Collection method: clinical testing. Allele origin: germline.
ClinVar note: Converted during submission from Likely Benign to Likely benign.

GeneDx
Classification: Benign. Last evaluated: 2014-02-09. Review status: criteria provided, single submitter. Criteria: GeneDx Variant Classification (06012015). Collection method: clinical testing. Allele origin: germline. Affected: yes.
Comment: This variant is considered likely benign or benign based on one or more of the following criteria: it is a conservative change, it occurs at a poorly conserved position in the protein, it is predicted to be benign by multiple in silico algorithms, and/or has population frequency not consistent with disease.

Breakthrough Genomics
Classification: Likely benign. Review status: criteria provided, single submitter. Criteria: ACMG Guidelines, 2015. Collection method: not provided. Allele origin: germline. Inheritance: Autosomal recessive inheritance. Affected: yes.

PreventionGenetics, part of Exact Sciences
Classification: Benign. Review status: criteria provided, single submitter. Criteria: ACMG Guidelines, 2015. Collection method: clinical testing. Allele origin: germline.

Natera, Inc.
Classification: Benign for Glycogen storage disease type Ib. Last evaluated: 2019-12-09. Review status: no assertion criteria provided. Collection method: clinical testing. Allele origin: germline. Not counted in ClinVar's aggregate classification.